The following is an entry in ClinVar:

NM_032620.4(GTPBP3):c.356C>T (p.Pro119Leu)

Gene: GTPBP3 (GTP binding protein 3, mitochondrial; plus strand). Cytogenetic location: 19p13.11.
Variant type: single nucleotide variant.
Coding change: c.356C>T on transcript NM_032620.4 (MANE Select); coding-DNA position 356, C replaced by T.
Protein change: p.Pro119Leu; replaces proline 119 with leucine.
Molecular consequence: missense variant.
Genome position (GRCh38, 1-based): chr19:17,338,419, C>T. VCF-style: chr19-17338419-C-T. GRCh37 (hg19) VCF-style: chr19-17449228-C-T.
Other names: c.356C>T, p.Pro119Leu (NM_001128855.3, NM_133644.4); c.422C>T, p.Pro141Leu (NM_001195422.1); short protein forms P119L, P141L.
Identifiers: ClinVar variation 706396 (VCV000706396.14), dbSNP rs143759529, ClinGen allele CA9293321.

ClinVar aggregate classification (germline): Conflicting classifications of pathogenicity. Review status: criteria provided, conflicting classifications (1 of 4 stars). 3 submissions from 3 submitters: Uncertain significance (1); Benign (2). Last evaluated 2026-10-15.

Allele frequency attached by ClinVar (database versions not stated): 1000 Genomes Project 0.00080; gnomAD exomes 0.00008; 1000 Genomes Project 30x 0.00078; TOPMed 0.00062; ESP Exome Variant Server 0.00077.
gnomAD v4.1: 257 of 1,614,114 alleles (0.016%); highest among the groups gnomAD compares: African/African-American, 0.29%; 1 homozygote.

Submissions (3):

GeneDx
Classification: Uncertain significance. Last evaluated: 2026-10-15. Review status: criteria provided, single submitter. Criteria: GeneDx Variant Classification Process June 2021. Collection method: clinical testing. Allele origin: germline.
Comment: In silico analysis supports that this missense variant has a deleterious effect on protein structure/function; Has not been previously published as pathogenic or benign to our knowledge

Labcorp Genetics (formerly Invitae), Labcorp
Classification: Benign. Last evaluated: 2026-01-28. Review status: criteria provided, single submitter. Criteria: Invitae Variant Classification Sherloc (09022015). Collection method: clinical testing. Allele origin: germline.

Breakthrough Genomics
Classification: Benign. Review status: criteria provided, single submitter. Criteria: ACMG Guidelines, 2015. Collection method: not provided. Allele origin: germline. Inheritance: Autosomal recessive inheritance. Affected: yes.